The following is an entry in ClinVar:

ClinVar aggregate classification (germline): Uncertain significance (1 of 4 stars; one submission).

Submission:

Labcorp Genetics (formerly Invitae), Labcorp
Classification: Uncertain significance. Last evaluated: 2021-10-19. Review status: criteria provided, single submitter. Criteria: Invitae Variant Classification Sherloc (09022015). Collection method: clinical testing. Allele origin: germline.
Comment: In summary, the available evidence is currently insufficient to determine the role of this variant in disease. Therefore, it has been classified as a Variant of Uncertain Significance. This variant has not been reported in the literature in individuals affected with CLUAP1-related conditions. This variant is a gross deletion of the genomic region encompassing exon(s) 1-8 of the CLUAP1 gene, which includes the initiator codon. This deletion extends beyond the assayed region for this gene and therefore may encompass additional genes. It is expected to result in an absent or disrupted protein product. However, the current clinical and genetic evidence is not sufficient to establish whether loss-of-function variants in CLUAP1 cause disease.

NC_000016.9:g.(?_3551068)_(3573319_?)del

Gene: CLUAP1 (clusterin associated protein 1; plus strand). Cytogenetic location: 16p13.3.
Variant type: Deletion.
Identifiers: ClinVar variation 2426040 (VCV002426040.4).